The following is an entry in ClinVar:

NM_014363.6(SACS):c.5141T>C (p.Ile1714Thr)

Gene: SACS (sacsin molecular chaperone; minus strand). Cytogenetic location: 13q12.12.
Variant type: single nucleotide variant.
Coding change: c.5141T>C on transcript NM_014363.6 (MANE Select); coding-DNA position 5141, T replaced by C.
Protein change: p.Ile1714Thr; replaces isoleucine 1714 with threonine.
Molecular consequence: missense variant.
Genome position (GRCh38, 1-based): chr13:23,338,735, A>G on the plus strand (T>C on the coding strand, the complement: SACS is on the minus strand). VCF-style: chr13-23338735-A-G. GRCh37 (hg19) VCF-style: chr13-23912874-A-G.
Other names: c.4700T>C, p.Ile1567Thr (NM_001278055.2); short protein forms I1567T, I1714T.
Identifiers: ClinVar variation 1369856 (VCV001369856.6), dbSNP rs2137621295, ClinGen allele CA387526480.
Genomic context (GRCh38, chr13:23,338,735, plus strand): 5'-TCTTTTAAAACACTTAAGACAGGTGTGTTCAATGCTTTGGAAGAGCAGGATTTTTTTTTA[A>G]TTATTACTGTATCTTGTGCTAAACTGGGGTTGGTTTCCTCAATTTTCAAGTACTTCAAAT-3'
Protein context (NP_055178.3, residues 1704-1724): NPSLAQDTVI[Ile1714Thr]KKKSCSSKAL

ClinVar aggregate classification (germline): Uncertain significance (1 of 4 stars; one submission).

Conditions:
Spastic paraplegia. Identifiers: MedGen C0037772, HP:0001258.

Submission:

Labcorp Genetics (formerly Invitae), Labcorp
Classification: Uncertain significance for Spastic paraplegia. Last evaluated: 2022-06-13. Review status: criteria provided, single submitter. Criteria: Invitae Variant Classification Sherloc (09022015). Collection method: clinical testing. Allele origin: germline.
Comment: In summary, the available evidence is currently insufficient to determine the role of this variant in disease. Therefore, it has been classified as a Variant of Uncertain Significance. Advanced modeling of protein sequence and biophysical properties (such as structural, functional, and spatial information, amino acid conservation, physicochemical variation, residue mobility, and thermodynamic stability) performed at Invitae indicates that this missense variant is not expected to disrupt SACS protein function. This variant has not been reported in the literature in individuals affected with SACS-related conditions. This variant is not present in population databases (gnomAD no frequency). This sequence change replaces isoleucine, which is neutral and non-polar, with threonine, which is neutral and polar, at codon 1714 of the SACS protein (p.Ile1714Thr).